The following is an entry in ClinVar:

ClinVar aggregate classification (germline): Uncertain significance (1 of 4 stars; one submission).

Allele frequency attached by ClinVar (database versions not stated): gnomAD exomes below 0.00001; gnomAD 0.00001; TOPMed 0.00002.
gnomAD v4.1: 8 of 1,613,806 alleles (0.0005%); highest among the groups gnomAD compares: African/African-American, 0.004%; no homozygotes.

Submission:

Women's Health and Genetics/Laboratory Corporation of America, LabCorp
Classification: Uncertain significance. Last evaluated: 2024-02-20. Review status: criteria provided, single submitter. Criteria: LabCorp Variant Classification Summary - May 2015. Collection method: clinical testing. Allele origin: germline.
Comment: Variant summary: TAF2 c.2440A>G (p.Asn814Asp) results in a conservative amino acid change in the encoded protein sequence. Four of five in-silico tools predict a benign effect of the variant on protein function. The variant allele was found at a frequency of 4e-06 in 250956 control chromosomes. The available data on variant occurrences in the general population are insufficient to allow any conclusion about variant significance. To our knowledge, no occurrence of c.2440A>G in individuals affected with Microcephaly-Thin Corpus Callosum-Intellectual Disability Syndrome and no experimental evidence demonstrating its impact on protein function have been reported. No submitters have cited clinical-significance assessments for this variant to ClinVar. Based on the evidence outlined above, the variant was classified as uncertain significance.

NM_003184.4(TAF2):c.2440A>G (p.Asn814Asp)

Gene: TAF2 (TATA-box binding protein associated factor 2; minus strand). Cytogenetic location: 8q24.12.
Variant type: single nucleotide variant.
Coding change: c.2440A>G on transcript NM_003184.4 (MANE Select); coding-DNA position 2440, A replaced by G.
Protein change: p.Asn814Asp; replaces asparagine 814 with aspartic acid.
Molecular consequence: missense variant.
Genome position (GRCh38, 1-based): chr8:119,762,533, T>C on the plus strand (A>G on the coding strand, the complement: TAF2 is on the minus strand). VCF-style: chr8-119762533-T-C. GRCh37 (hg19) VCF-style: chr8-120774773-T-C.
Other names: short protein forms N814D.
Identifiers: ClinVar variation 3069003 (VCV003069003.2), dbSNP rs1290621180, ClinGen allele CA371894143.